The following is an entry in ClinVar:

NM_005045.4(RELN):c.8654C>T (p.Thr2885Ile)

Genes: SLC26A5-AS1 (SLC26A5 antisense RNA 1; plus strand), RELN (reelin; minus strand). Cytogenetic location: 7q22.1.
Variant type: single nucleotide variant.
Coding change: c.8654C>T on transcript NM_005045.4 (MANE Select); coding-DNA position 8654, C replaced by T.
Protein change: p.Thr2885Ile; replaces threonine 2885 with isoleucine.
Molecular consequence: missense variant.
Genome position (GRCh38, 1-based): chr7:103,500,758, G>A on the plus strand (C>T on the coding strand, the complement: RELN is on the minus strand). VCF-style: chr7-103500758-G-A. GRCh37 (hg19) VCF-style: chr7-103141205-G-A.
Other names: c.8654C>T, p.Thr2885Ile (NM_173054.3); short protein forms T2885I.
Identifiers: ClinVar variation 3065514 (VCV003065514.2), dbSNP rs1828999922, ClinGen allele CA368755271.

ClinVar aggregate classification (germline): Uncertain significance. Review status: criteria provided, multiple submitters, no conflicts (2 of 4 stars). 2 submissions from 2 submitters: Uncertain significance (2). Last evaluated 2025-06-11.

Conditions:
Norman-Roberts syndrome (LIS2). Also called: Lissencephaly 2 (Norman-Roberts type). Identifiers: Orphanet 89844, MedGen C0796089, MONDO:0009760, OMIM 257320.
Familial temporal lobe epilepsy 7. Identifiers: Orphanet 101046, MedGen C4225327, MONDO:0014639, OMIM 616436.

Allele frequency attached by ClinVar (database versions not stated): gnomAD exomes below 0.00001; gnomAD 0.00001.
gnomAD v4.1: 2 of 1,613,938 alleles (0.00012%); highest among the groups gnomAD compares: Admixed American, 0.0017%; no homozygotes.

Submissions (2):

Labcorp Genetics (formerly Invitae), Labcorp
Classification: Uncertain significance for Familial temporal lobe epilepsy 7; Norman-Roberts syndrome. Last evaluated: 2025-06-11. Review status: criteria provided, single submitter. Criteria: Invitae Variant Classification Sherloc (09022015). Collection method: clinical testing. Allele origin: germline.
Comment: This sequence change replaces threonine, which is neutral and polar, with isoleucine, which is neutral and non-polar, at codon 2885 of the RELN protein (p.Thr2885Ile). This variant is not present in population databases (gnomAD no frequency). This variant has not been reported in the literature in individuals affected with RELN-related conditions. ClinVar contains an entry for this variant (Variation ID: 3065514). Invitae Evidence Modeling of protein sequence and biophysical properties (such as structural, functional, and spatial information, amino acid conservation, physicochemical variation, residue mobility, and thermodynamic stability) indicates that this missense variant is not expected to disrupt RELN protein function with a negative predictive value of 80%. In summary, the available evidence is currently insufficient to determine the role of this variant in disease. Therefore, it has been classified as a Variant of Uncertain Significance.

Genomic Medicine Center of Excellence, King Faisal Specialist Hospital and Research Centre
Classification: Uncertain significance for Norman-Roberts syndrome. Last evaluated: 2024-03-26. Review status: criteria provided, single submitter. Criteria: ACMG Guidelines, 2015. Collection method: clinical testing. Allele origin: germline.